The following is an entry in ClinVar:

ClinVar aggregate classification (germline): Benign (1 of 4 stars; one submission).

Allele frequency attached by ClinVar (database versions not stated): 1000 Genomes Project 0.58347; TOPMed 0.60468; gnomAD 0.61334 and 0.61777.
gnomAD v4.1: 93,293 of 151,998 alleles (61%); highest among the groups gnomAD compares: East Asian, 71%; 29,619 homozygotes.

Submission:

GeneDx
Classification: Benign. Last evaluated: 2018-06-14. Review status: criteria provided, single submitter. Criteria: GeneDx Variant Classification (06012015). Collection method: clinical testing. Allele origin: germline. Affected: yes.
Comment: This variant is considered likely benign or benign based on one or more of the following criteria: it is a conservative change, it occurs at a poorly conserved position in the protein, it is predicted to be benign by multiple in silico algorithms, and/or has population frequency not consistent with disease.

NM_001365088.1(SLC12A6):c.1333+181A>C

Gene: SLC12A6 (solute carrier family 12 member 6; minus strand). Cytogenetic location: 15q14.
Variant type: single nucleotide variant.
Coding change: c.1333+181A>C on transcript NM_001365088.1 (MANE Select); 181 bases into the intron after coding-DNA position 1333, A replaced by C.
Molecular consequence: intron variant.
Genome position (GRCh38, 1-based): chr15:34,251,989, T>G on the plus strand (A>C on the coding strand, the complement: SLC12A6 is on the minus strand). VCF-style: chr15-34251989-T-G. GRCh37 (hg19) VCF-style: chr15-34544190-T-G.
Other names: c.1156+181A>C (NM_001042495.2, NM_001042494.2); c.1306+181A>C (NM_001042496.2); c.1288+181A>C (NM_001042497.2); c.1333+181A>C (NM_133647.2); c.1180+181A>C (NM_005135.2).
Identifiers: ClinVar variation 670091 (VCV000670091.1), dbSNP rs2244040, ClinGen allele CA14076268.